The following is an entry in ClinVar:

ClinVar aggregate classification (germline): Likely benign. Review status: criteria provided, multiple submitters, no conflicts (2 of 4 stars). 5 submissions from 5 submitters: Likely benign (4). 1 of the submissions does not count toward it. Last evaluated 2026-08-15.

Conditions:
SACS-related disorder. Also called: SACS-related condition.
Charlevoix-Saguenay spastic ataxia (SACS). Also called: SPASTIC ATAXIA 6, AUTOSOMAL RECESSIVE; AUTOSOMAL RECESSIVE SPASTIC ATAXIA OF CHARLEVOIX-SAGUENAY; Spastic ataxia of Charlevoix-Saguenay. Identifiers: Orphanet 98, MedGen C1849140, MONDO:0010041, OMIM 270550.
Spastic paraplegia. Identifiers: MedGen C0037772, HP:0001258.

Allele frequency attached by ClinVar (database versions not stated): ExAC 0.00001; gnomAD 0.00005 and 0.00006; gnomAD exomes 0.00005 and 0.00023; TOPMed 0.00005; ESP Exome Variant Server 0.00008.
gnomAD v4.1: 335 of 1,614,018 alleles (0.021%); highest among the groups gnomAD compares: Non-Finnish European, 0.028%; no homozygotes.

Submissions (5):

PreventionGenetics, part of Exact Sciences
Classification: Likely benign for SACS-related condition. Last evaluated: 2026-08-15. Review status: criteria provided, single submitter. Criteria: ACMG Guidelines, 2015. Collection method: clinical testing. Allele origin: germline.
Comment: This variant is classified as likely benign based on ACMG/AMP sequence variant interpretation guidelines (Richards et al. 2015 PMID: 25741868, with internal and published modifications).

Labcorp Genetics (formerly Invitae), Labcorp
Classification: Likely benign for Spastic paraplegia. Last evaluated: 2026-02-04. Review status: criteria provided, single submitter. Criteria: Invitae Variant Classification Sherloc (09022015). Collection method: clinical testing. Allele origin: germline.

Athena Diagnostics
Classification: Likely benign. Last evaluated: 2025-11-03. Review status: criteria provided, single submitter. Criteria: Athena Diagnostics Criteria. Collection method: clinical testing. Allele origin: unknown.
Comment: Computational tools yielded predictions that this variant is unlikely to have an effect on normal RNA splicing. This nucleotide position exhibits low evolutionary conservation.

Mayo Clinic Laboratories, Mayo Clinic
Classification: Likely benign. Last evaluated: 2025-04-29. Review status: criteria provided, single submitter. Criteria: ACMG Guidelines, 2015. Collection method: clinical testing. Allele origin: germline. Observed: 1 variant allele.
Comment: BP4, BP7

Natera, Inc.
Classification: Likely benign for Charlevoix-Saguenay type spastic ataxia. Last evaluated: 2020-09-16. Review status: no assertion criteria provided. Collection method: clinical testing. Allele origin: germline. Not counted in ClinVar's aggregate classification.

NM_014363.6(SACS):c.5529G>C (p.Leu1843=)

Gene: SACS (sacsin molecular chaperone; minus strand). Cytogenetic location: 13q12.12.
Variant type: single nucleotide variant.
Coding change: c.5529G>C on transcript NM_014363.6 (MANE Select); coding-DNA position 5529, G replaced by C.
Protein change: p.Leu1843=; no amino-acid change (leucine 1843 retained).
Molecular consequence: synonymous variant.
Genome position (GRCh38, 1-based): chr13:23,338,347, C>G on the plus strand (G>C on the coding strand, the complement: SACS is on the minus strand). VCF-style: chr13-23338347-C-G. GRCh37 (hg19) VCF-style: chr13-23912486-C-G.
Other names: p.Leu1843=; c.5088G>C, p.Leu1696= (NM_001278055.2); c.5529G>C (NM_014363.4).
Identifiers: ClinVar variation 696284 (VCV000696284.15), dbSNP rs148091738, ClinGen allele CA6911233.